The following is an entry in ClinVar:

NM_003000.3(SDHB):c.200+3G>C

Gene: SDHB (succinate dehydrogenase complex iron sulfur subunit B; minus strand). Cytogenetic location: 1p36.13.
Variant type: single nucleotide variant.
Coding change: c.200+3G>C on transcript NM_003000.3 (MANE Select); 3 bases into the intron after coding-DNA position 200, G replaced by C.
Molecular consequence: intron variant.
Genome position (GRCh38, 1-based): chr1:17,044,758, C>G on the plus strand (G>C on the coding strand, the complement: SDHB is on the minus strand). VCF-style: chr1-17044758-C-G. GRCh37 (hg19) VCF-style: chr1-17371253-C-G.
Identifiers: ClinVar variation 231738 (VCV000231738.5), dbSNP rs876659330, ClinGen allele CA10577679.
Genomic context (GRCh38, chr1:17,044,758, plus strand): 5'-AGCATGTCCCTAAATCAAATCAAGAACTCTCCTTCAATAGCTGGCTTTCACAGAGATACT[C>G]ACTTATTAAGGTCAACTTCATAAGTCTGCATATGAGGTTTGTCTCCAGCCTTGTCTGGGT-3'

ClinVar aggregate classification (germline): Likely pathogenic (1 of 4 stars; one submission).

Conditions:
Hereditary cancer-predisposing syndrome. Also called: Neoplastic Syndromes, Hereditary; Tumor predisposition; Hereditary Cancer Syndrome; Hereditary neoplastic syndrome. Identifiers: Orphanet 140162, MedGen C0027672, MeSH D009386, MONDO:0015356.

Allele frequency attached by ClinVar (database versions not stated): gnomAD exomes below 0.00001.
gnomAD v4.1: 1 of 1,614,024 alleles (0.000062%); highest among the groups gnomAD compares: Non-Finnish European, 0.000085%; no homozygotes.

Submission:

Ambry Genetics
Classification: Likely pathogenic for Hereditary cancer-predisposing syndrome. Last evaluated: 2023-12-07. Review status: criteria provided, single submitter. Criteria: Ambry Variant Classification Scheme 2023. Collection method: clinical testing. Allele origin: germline.
Comment: The p.L65H variant (also known as c.194T>A), located in coding exon 2 of the SDHB gene, results from a T to A substitution at nucleotide position 194. The leucine at codon 65 is replaced by histidine, an amino acid with similar properties. This amino acid position is highly conserved in available vertebrate species. In addition, this alteration is predicted to be deleterious by in silico analysis. The c.200+3G>C intronic variant results from a G to C substitution 3 nucleotides after coding exon 2 in the SDHB gene. This nucleotide position is not well conserved in available vertebrate species. In silico splice site analysis predicts that this alteration will not have any significant effect on splicing. Tumor tissue from this individual contained a full length cDNA fragment including the p.L65H alteration and a cDNA fragment that was the result of exon 2 skipping (Benn DE et al. Oncogene. 2003 Mar; 22(9):1358-64). Based on the majority of available evidence to date, the p.L65H; c.200+3G>C haplotype is interpreted as likely pathogenic.

Literature cited by the submitters: PubMed 12618761.